The following is an entry in ClinVar:

ClinVar aggregate classification (germline): Likely benign (1 of 4 stars; one submission).

Allele frequency attached by ClinVar (database versions not stated): TOPMed 0.00004; gnomAD 0.00005; ExAC 0.00009; gnomAD exomes 0.00011; ESP Exome Variant Server 0.00019; 1000 Genomes Project 30x 0.00021; 1000 Genomes Project 0.00026.
gnomAD v4.1: 123 of 1,209,463 alleles (0.01%); highest among the groups gnomAD compares: Middle Eastern, 0.046%; no homozygotes.

Submission:

CeGaT Center for Human Genetics Tuebingen
Classification: Likely benign. Last evaluated: 2022-10-01. Review status: criteria provided, single submitter. Criteria: CeGaT Center For Human Genetics Tuebingen Variant Classification Criteria Version 2. Collection method: clinical testing. Allele origin: germline. Affected: yes. Observed: 1 variant allele.
Comment: FAM50A: BP4, BP7

NM_004699.4(FAM50A):c.795C>T (p.Tyr265=)

Gene: FAM50A (family with sequence similarity 50 member A; plus strand). Cytogenetic location: Xq28.
Variant type: single nucleotide variant.
Coding change: c.795C>T on transcript NM_004699.4 (MANE Select); coding-DNA position 795, C replaced by T.
Protein change: p.Tyr265=; no amino-acid change (tyrosine 265 retained).
Molecular consequence: synonymous variant.
Genome position (GRCh38, 1-based): chrX:154,449,897, C>T. VCF-style: chrX-154449897-C-T. GRCh37 (hg19) VCF-style: chrX-153678245-C-T.
Identifiers: ClinVar variation 2661818 (VCV002661818.24), dbSNP rs367764750, ClinGen allele CA10563456.